The following is an entry in ClinVar:

NM_004186.5(SEMA3F):c.*3C>T

Gene: SEMA3F (semaphorin 3F; plus strand). Cytogenetic location: 3p21.31.
Variant type: single nucleotide variant.
Coding change: c.*3C>T on transcript NM_004186.5 (MANE Select); 3 bases downstream of the stop codon, C replaced by T.
Molecular consequence: 3 prime UTR variant.
Genome position (GRCh38, 1-based): chr3:50,188,118, C>T. VCF-style: chr3-50188118-C-T. GRCh37 (hg19) VCF-style: chr3-50225551-C-T.
Other names: c.*3C>T (NM_001318798.2, NM_001318800.2).
Identifiers: ClinVar variation 3051328 (VCV003051328.2), dbSNP rs777323151, ClinGen allele CA2412398.

ClinVar aggregate classification (germline): Likely benign (0 of 4 stars; one submission).

Conditions:
SEMA3F-related disorder. Also called: SEMA3F-related condition.

Allele frequency attached by ClinVar (database versions not stated): gnomAD exomes 0.00002; gnomAD 0.00013; TOPMed 0.00018; ExAC 0.00043.
gnomAD v4.1: 51 of 1,477,402 alleles (0.0035%); highest among the groups gnomAD compares: Admixed American, 0.12%; 1 homozygote.

Submission:

PreventionGenetics, part of Exact Sciences
Classification: Likely benign for SEMA3F-related condition. Last evaluated: 2022-02-08. Review status: no assertion criteria provided. Collection method: clinical testing. Allele origin: germline.
Comment: This variant is classified as likely benign based on ACMG/AMP sequence variant interpretation guidelines (Richards et al. 2015 PMID: 25741868, with internal and published modifications).